The following is an entry in ClinVar:

NM_024818.6(UBA5):c.656T>A (p.Ile219Lys)

Genes: NPHP3-ACAD11 (NPHP3-ACAD11 readthrough (NMD candidate); minus strand), UBA5 (ubiquitin like modifier activating enzyme 5; plus strand). Cytogenetic location: 3q22.1.
Variant type: single nucleotide variant.
Coding change: c.656T>A on transcript NM_024818.6 (MANE Select); coding-DNA position 656, T replaced by A.
Protein change: p.Ile219Lys; replaces isoleucine 219 with lysine.
Molecular consequence: missense variant.
Genome position (GRCh38, 1-based): chr3:132,671,853, T>A. VCF-style: chr3-132671853-T-A. GRCh37 (hg19) VCF-style: chr3-132390697-T-A.
Other names: c.488T>A, p.Ile163Lys (NM_001320210.2, NM_198329.4); c.386T>A, p.Ile129Lys (NM_001321238.2); c.320T>A, p.Ile107Lys (NM_001321239.1); short protein forms I129K, I107K, I219K, I163K.
Identifiers: ClinVar variation 2015994 (VCV002015994.4), dbSNP rs2530330400, ClinGen allele CA354574282.

ClinVar aggregate classification (germline): Uncertain significance (1 of 4 stars; one submission).

Submission:

Labcorp Genetics (formerly Invitae), Labcorp
Classification: Uncertain significance. Last evaluated: 2022-09-01. Review status: criteria provided, single submitter. Criteria: Invitae Variant Classification Sherloc (09022015). Collection method: clinical testing. Allele origin: germline.
Comment: In summary, the available evidence is currently insufficient to determine the role of this variant in disease. Therefore, it has been classified as a Variant of Uncertain Significance. Algorithms developed to predict the effect of missense changes on protein structure and function are either unavailable or do not agree on the potential impact of this missense change (SIFT: "Not Available"; PolyPhen-2: "Possibly Damaging"; Align-GVGD: "Not Available"). This variant has not been reported in the literature in individuals affected with UBA5-related conditions. This variant is not present in population databases (gnomAD no frequency). This sequence change replaces isoleucine, which is neutral and non-polar, with lysine, which is basic and polar, at codon 219 of the UBA5 protein (p.Ile219Lys).